The following is an entry in ClinVar:

ClinVar aggregate classification (germline): not provided (0 of 4 stars; one submission).

Conditions:
Gestational diabetes mellitus uncontrolled. Identifiers: MedGen C3532257.

Submission:

Institute of Molecular and Cell Biology, University of Tartu
No classification provided. Condition: Gestational diabetes mellitus uncontrolled. Review status: no classification provided. Collection method: case-control. Allele origin: unknown. Affected: yes. Study: Kasak2014.
Comment: The study aimed to determine the contribution of copy number variants in the genetic etiology of normal and complicated pregnancies. The samples represented (i) maternal blood DNA drawn from healthy pregnant women during 1st or 2nd trimester and (ii) maternal and paternal blood DNA drawn at term pregnancy cases representing normal and complicated gestations (severe preeclampsia, PE; gestational diabetes, GD; small-for-gestational age newborn, SGA; large-for-gestational age newborn, LGA). We performed CNV calling based on genome-wide genotyping dataset (Illumina HumanOmniExpress-24-v1 BeadChip) by applying three algorithms, QuantiSNP, GADA (Genome Alteration Detection Algorithm) and CNstream in parallel. The acquired CNV calls were merged with HD-CNV (Hotspot Detector for Copy Number Variants) program and only the CNVs predicted by at least two programs, were considered in subsequent analysis.

Literature cited by the submitters: PubMed 25666259.

Single allele

Gene: SLC15A5 (solute carrier family 15 member 5; minus strand). Cytogenetic location: 12p12.3.
Variant type: Deletion.
Identifiers: ClinVar variation 157242 (VCV000157242.2).